The following is an entry in ClinVar:

ClinVar aggregate classification (germline): Uncertain significance (1 of 4 stars; one submission).

gnomAD v4.1: 1 of 1,614,216 alleles (0.000062%); highest among the groups gnomAD compares: Non-Finnish European, 0.000085%; no homozygotes.

Submission:

Quest Diagnostics Nichols Institute San Juan Capistrano
Classification: Uncertain significance. Last evaluated: 2025-06-26. Review status: criteria provided, single submitter. Criteria: Quest Diagnostics criteria. Collection method: clinical testing. Allele origin: unknown.
Comment: The BRCA1 c.3908T>C (p.Leu1303Ser) variant has not been reported in individuals with BRCA1-related conditions in the published literature. It also has not been reported in large, multi-ethnic general populations (Genome Aggregation Database). Analysis of this variant using bioinformatics tools for the prediction of the effect of amino acid changes on protein structure and function yielded predictions that this variant is benign. Based on the available information, we are unable to determine the clinical significance of this variant.

NM_007294.4(BRCA1):c.3908T>C (p.Leu1303Ser)

Genes: BRCA1 (BRCA1 DNA repair associated; minus strand), LOC126862571 (BRD4-independent group 4 enhancer GRCh37_chr17:41243136-41244335; plus strand). Cytogenetic location: 17q21.31.
Variant type: single nucleotide variant.
Coding change: c.3908T>C on transcript NM_007294.4 (MANE Select); coding-DNA position 3908, T replaced by C.
Protein change: p.Leu1303Ser; replaces leucine 1303 with serine.
Molecular consequence: missense variant. On other transcripts: intron variant (135).
Genome position (GRCh38, 1-based): chr17:43,091,623, A>G on the plus strand (T>C on the coding strand, the complement: BRCA1 is on the minus strand). VCF-style: chr17-43091623-A-G. GRCh37 (hg19) VCF-style: chr17-41243640-A-G.
Other names: c.3695T>C, p.Leu1232Ser (NM_001407571.1, NM_001407853.1, NM_001407894.1 and 9 more transcripts); c.3908T>C, p.Leu1303Ser (NM_001407581.1, NM_001407582.1, NM_001407583.1 and 30 more transcripts); c.3905T>C, p.Leu1302Ser (NM_001407587.1, NM_001407590.1, NM_001407591.1 and 22 more transcripts); c.3899T>C, p.Leu1300Ser (NM_001407646.1, NM_001407647.1); c.3785T>C, p.Leu1262Ser (NM_001407648.1, NM_001407664.1, NM_001407665.1 and 19 more transcripts); c.3782T>C, p.Leu1261Ser (NM_001407649.1, NM_001407670.1, NM_001407671.1 and 11 more transcripts); c.3830T>C, p.Leu1277Ser (NM_001407653.1, NM_001407654.1, NM_001407655.1 and 4 more transcripts); c.3827T>C, p.Leu1276Ser (NM_001407659.1, NM_001407660.1, NM_001407661.1 and 1 more transcripts); and 41 more; short protein forms L1007S, L1135S, L1175S, L1176S, L1191S, L1192S, L1214S, L1215S.
Identifiers: ClinVar variation 4533106 (VCV004533106.1).
Genomic context (GRCh38, chr17:43,091,623, plus strand): 5'-TGTTTGGAAGAACCAATCAAGAAAGGATCCTGGGTGTTTGTATTTGCAGTCAAGTCTTCC[A>G]ATTCACTGCACTGTGAAGAAAACAAGCTAGCAGAACATTTTGTTTCCTCACTAAGGTGAT-3'
Protein context (NP_009225.1, residues 1293-1313): ASLFSSQCSE[Leu1303Ser]EDLTANTNTQ